The following is an entry in ClinVar:

ClinVar aggregate classification (germline): Pathogenic (1 of 4 stars; one submission).

Submission:

Labcorp Genetics (formerly Invitae), Labcorp
Classification: Pathogenic. Last evaluated: 2023-10-05. Review status: criteria provided, single submitter. Criteria: Invitae Variant Classification Sherloc (09022015). Collection method: clinical testing. Allele origin: germline.
Comment: This sequence change affects a donor splice site in intron 8 of the VCAN gene. RNA analysis indicates that disruption of this splice site induces altered splicing and likely results in a shortened protein product. This variant is not present in population databases (gnomAD no frequency). Disruption of this splice site has been observed in individuals with clinical features of Wagner syndrome (PMID: 16636652, 19901218, 22739342). It has also been observed to segregate with disease in related individuals. Studies have shown that disruption of this splice site results in skipping of exon 8, but is expected to preserve the integrity of the reading-frame (PMID: 16636652, 22739342). For these reasons, this variant has been classified as Pathogenic.

Literature cited by the submitters: PubMed 16636652; PubMed 19901218; PubMed 22739342.

NM_004385.5(VCAN):c.9265+2T>C

Genes: VCAN (versican; plus strand), VCAN-AS1 (VCAN antisense RNA 1; minus strand). Cytogenetic location: 5q14.3.
Variant type: single nucleotide variant.
Coding change: c.9265+2T>C on transcript NM_004385.5 (MANE Select); the canonical splice donor site of the intron after coding-DNA position 9265, T replaced by C.
Molecular consequence: splice donor variant. On other transcripts: intron variant (2).
Genome position (GRCh38, 1-based): chr5:83,542,270, T>C. VCF-style: chr5-83542270-T-C. GRCh37 (hg19) VCF-style: chr5-82838089-T-C.
Other names: c.1043-3267T>C (NM_001126336.3); c.4004-3267T>C (NM_001164098.2); c.6304+2T>C (NM_001164097.2).
Identifiers: ClinVar variation 2765729 (VCV002765729.3), dbSNP rs397515437, ClinGen allele CA360295722.
Genomic context (GRCh38, chr5:83,542,270, plus strand): 5'-AGATTTCCTGATTGGCATTAATGAAGAGTCAGTGGAAGGCACGGCAATCTATTTACCAGG[T>C]AAGATCACAACATTGATAAATCTGTTTCCAAACCTGGAAACAGTCCCTTGGTGCTAACGT-3'